The following is an entry in ClinVar:

ClinVar aggregate classification (germline): Uncertain significance (1 of 4 stars; one submission).

Submission:

Labcorp Genetics (formerly Invitae), Labcorp
Classification: Uncertain significance. Last evaluated: 2022-09-06. Review status: criteria provided, single submitter. Criteria: Invitae Variant Classification Sherloc (09022015). Collection method: clinical testing. Allele origin: germline.
Comment: This sequence change replaces threonine, which is neutral and polar, with serine, which is neutral and polar, at codon 1259 of the FLNB protein (p.Thr1259Ser). This variant is not present in population databases (gnomAD no frequency). This variant has not been reported in the literature in individuals affected with FLNB-related conditions. Advanced modeling of protein sequence and biophysical properties (such as structural, functional, and spatial information, amino acid conservation, physicochemical variation, residue mobility, and thermodynamic stability) performed at Invitae indicates that this missense variant is not expected to disrupt FLNB protein function. In summary, the available evidence is currently insufficient to determine the role of this variant in disease. Therefore, it has been classified as a Variant of Uncertain Significance.

NM_001457.4(FLNB):c.3776C>G (p.Thr1259Ser)

Gene: FLNB (filamin B; plus strand). Cytogenetic location: 3p14.3.
Variant type: single nucleotide variant.
Coding change: c.3776C>G on transcript NM_001457.4 (MANE Select); coding-DNA position 3776, C replaced by G.
Protein change: p.Thr1259Ser; replaces threonine 1259 with serine.
Molecular consequence: missense variant.
Genome position (GRCh38, 1-based): chr3:58,124,383, C>G. VCF-style: chr3-58124383-C-G. GRCh37 (hg19) VCF-style: chr3-58110110-C-G.
Other names: c.3776C>G, p.Thr1259Ser (NM_001164317.2, NM_001164318.2, NM_001164319.2); short protein forms T1259S.
Identifiers: ClinVar variation 1718901 (VCV001718901.5), dbSNP rs2471127672, ClinGen allele CA353349501.